The following is an entry in ClinVar:

NM_000152.5(GAA):c.1100G>A (p.Trp367Ter)

Gene: GAA (alpha glucosidase; plus strand). Cytogenetic location: 17q25.3.
Variant type: single nucleotide variant.
Coding change: c.1100G>A on transcript NM_000152.5 (MANE Select); coding-DNA position 1100, G replaced by A.
Protein change: p.Trp367Ter; replaces tryptophan 367 with a stop codon.
Molecular consequence: nonsense.
Genome position (GRCh38, 1-based): chr17:80,108,513, G>A. VCF-style: chr17-80108513-G-A. GRCh37 (hg19) VCF-style: chr17-78082312-G-A.
Other names: NM_000152.5(GAA):c.1100G>A; p.Trp367Ter; c.1100G>A, p.Trp367Ter (NM_001079803.3, NM_001079804.3); short protein forms W367*.
Identifiers: ClinVar variation 972773 (VCV000972773.11), dbSNP rs1478500490, ClinGen allele CA401364953.

ClinVar aggregate classification (germline): Pathogenic. Review status: reviewed by expert panel (3 of 4 stars). 4 submissions from 4 submitters: Pathogenic (1). 3 of the submissions do not count toward it. Last evaluated 2026-04-06.

Conditions:
Glycogen storage disease, type II (IOPD). Also called: Glucosidase acid-1,4-alpha deficiency; Pompe Disease; CARDIOMEGALIA GLYCOGENICA DIFFUSA; GLYCOGENOSIS, GENERALIZED, CARDIAC FORM; GSD II; POMPE DISEASE, INFANTILE-ONSET. Identifiers: Orphanet 365, MedGen C0017921, MONDO:0009290, OMIM 232300.

Allele frequency attached by ClinVar (database versions not stated): gnomAD exomes below 0.00001; TOPMed 0.00001.

Submissions (4):

ClinGen Lysosomal Storage Disorder Variant Curation Expert Panel
Classification: Pathogenic for Glycogen storage disease, type II. Last evaluated: 2026-04-06. Review status: reviewed by expert panel. Criteria: clingen_lsd_acmg_specifications_v2-1. Collection method: curation. Allele origin: germline. Inheritance: Autosomal recessive inheritance.
Comment: The NM_000152.5:c.1100G>A (p. Trp367Ter) variant in GAA is a nonsense variant predicted to cause a premature stop codon in biologically-relevant-exon 7/20, leading to nonsense mediated decay in a gene in which loss-of-function is an established disease mechanism (PVS1). One patient with this variant has been reported with childhood onset Pompe disease. GAA enzyme activity level for this patient was reported as 8.9% of normal, but the tissue source was not stated. This patient is compound heterozygous for the c.1100G>A (p. Trp367Ter) variant and a variant in GAA that has been classified as pathogenic by the ClinGen Lysosomal Diseases VCEP, c.-32-13T>G. The phase of the variants is unknown (PM3_Supporting). As a result, PP4 was not applied (PMID: 17723315). The variant is absent from gnomAD v4.1.0. There is a ClinVar entry for this variant (Variation ID: 972773; 2 star review status) with two submitters classifying the variant as pathogenic. In summary, the variant meets the criteria to be classified as pathogenic for Pompe disease by the ClinGen Lysosomal Diseases Variant Curation Expert Panel. GAA-specific ACMG/AMP criteria applied (Specifications Version 2.0.0): PVS1, PM2_Supporting, PM3_Supporting. (Classification approved by the ClinGen Lysosomal Diseases Variant Curation Expert Panel on April 6, 2026)

Genomenon, Inc
Classification: Pathogenic for Glycogen storage disease, type II. Last evaluated: 2026-07-01. Review status: criteria provided, single submitter. Criteria: Genomenon Sequence Variant Interpretation Standards - Updated. Collection method: curation. Allele origin: germline. Affected: yes. Not counted in ClinVar's aggregate classification.
Comment: GAA p.Trp367Ter (c.1100G>A) is a nonsense variant that introduces a premature stop codon at amino acid position 367 and is predicted to result in a truncated or absent protein product. This variant has been observed in at least one proband with a GAA-related disorder (PMID:39227307;17723315). It is absent or not present at a significant frequency in gnomAD. In conclusion, we classify GAA p.Trp367Ter (c.1100G>A) as a pathogenic variant.

Labcorp Genetics (formerly Invitae), Labcorp
Classification: Pathogenic for Glycogen storage disease, type II. Last evaluated: 2024-10-30. Review status: criteria provided, single submitter. Criteria: Invitae Variant Classification Sherloc (09022015). Collection method: clinical testing. Allele origin: germline. Not counted in ClinVar's aggregate classification.
Comment: This sequence change creates a premature translational stop signal (p.Trp367*) in the GAA gene. It is expected to result in an absent or disrupted protein product. Loss-of-function variants in GAA are known to be pathogenic (PMID: 18425781, 22252923). This variant is present in population databases (no rsID available, gnomAD 0.0009%). This premature translational stop signal has been observed in individual(s) with clinical features of Pompe disease (PMID: 17723315). ClinVar contains an entry for this variant (Variation ID: 972773). Algorithms developed to predict the effect of sequence changes on RNA splicing suggest that this variant may disrupt the consensus splice site. For these reasons, this variant has been classified as Pathogenic.

Broad Center for Mendelian Genomics, Broad Institute of MIT and Harvard
Classification: Pathogenic for Glycogen storage disease, type II. Last evaluated: 2020-01-22. Review status: criteria provided, single submitter. Criteria: ACMG Guidelines, 2015. Collection method: curation. Allele origin: germline. Inheritance: Autosomal recessive inheritance. Not counted in ClinVar's aggregate classification.
Comment: Although this variant has been seen in the general population, its frequency is low enough to be consistent with a recessive carrier disease. This nonsense variant leads to a premature termination codon at position 367, which is predicted to lead to a truncated or absent protein. Loss of function of the GAA gene is an established disease mechanism in autosomal recessive glycogen storage disease. The presence of this variant in combination with reported pathogenic variant c.-32-13T>G (VariationID: 4027; PMID: 17723315) and in an individual with glycogen storage disease increases the likelihood that the p.Trp367Ter variant is pathogenic. The phenotype of an individual compound heterozygous for this variant is highly specific for glycogen storage disease based on their GAA activity being less than 10% of WT, consistent with disease (PMID: 17723315). In summary, this variant meets criteria to be classified as pathogenic for glycogen storage disease in an autosomal recessive manner based on its prediction to cause loss of function of GAA, and its presence in an affected individual with another pathogenic variant. ACMG/AMP Criteria applied: PVS1, PM2, PM3_supporting, PP4 (Richards 2015).

Literature cited by the submitters: PubMed 39227307 (cited by Genomenon, Inc); PubMed 17723315 (cited by 3 submitters); PubMed 18425781 (cited by Labcorp Genetics (formerly Invitae), Labcorp); PubMed 22252923 (cited by Labcorp Genetics (formerly Invitae), Labcorp).